The following is an entry in ClinVar:

NM_000760.4(CSF3R):c.344T>G (p.Val115Gly)

Gene: CSF3R (colony stimulating factor 3 receptor; minus strand). Cytogenetic location: 1p34.3.
Variant type: single nucleotide variant.
Coding change: c.344T>G on transcript NM_000760.4 (MANE Select); coding-DNA position 344, T replaced by G.
Protein change: p.Val115Gly; replaces valine 115 with glycine.
Molecular consequence: missense variant.
Genome position (GRCh38, 1-based): chr1:36,475,394, A>C on the plus strand (T>G on the coding strand, the complement: CSF3R is on the minus strand). VCF-style: chr1-36475394-A-C. GRCh37 (hg19) VCF-style: chr1-36940995-A-C.
Other names: c.344T>G, p.Val115Gly (NM_156039.3, NM_172313.3); short protein forms V115G.
Identifiers: ClinVar variation 1490415 (VCV001490415.6), dbSNP rs139022075, ClinGen allele CA339424647.

ClinVar aggregate classification (germline): Uncertain significance (1 of 4 stars; one submission).

Conditions:
Autosomal recessive severe congenital neutropenia due to CSF3R deficiency. Also called: Neutropenia, severe congenital, 7, autosomal recessive. Identifiers: Orphanet 420702, MedGen C4310764, MONDO:0014865, OMIM 617014.

Submission:

Labcorp Genetics (formerly Invitae), Labcorp
Classification: Uncertain significance for Autosomal recessive severe congenital neutropenia due to CSF3R deficiency. Last evaluated: 2022-01-28. Review status: criteria provided, single submitter. Criteria: Invitae Variant Classification Sherloc (09022015). Collection method: clinical testing. Allele origin: germline.
Comment: This sequence change replaces valine, which is neutral and non-polar, with glycine, which is neutral and non-polar, at codon 115 of the CSF3R protein (p.Val115Gly). This variant is not present in population databases (gnomAD no frequency). This variant has not been reported in the literature in individuals affected with CSF3R-related conditions. Algorithms developed to predict the effect of missense changes on protein structure and function (SIFT, PolyPhen-2, Align-GVGD) all suggest that this variant is likely to be tolerated. Algorithms developed to predict the effect of sequence changes on RNA splicing suggest that this variant may create or strengthen a splice site. In summary, the available evidence is currently insufficient to determine the role of this variant in disease. Therefore, it has been classified as a Variant of Uncertain Significance.